The following is an entry in ClinVar:

NM_016335.6(PRODH):c.933C>T (p.Thr311=)

Gene: PRODH (proline dehydrogenase 1; minus strand). Cytogenetic location: 22q11.21.
Variant type: single nucleotide variant.
Coding change: c.933C>T on transcript NM_016335.6 (MANE Select); coding-DNA position 933, C replaced by T.
Protein change: p.Thr311=; no amino-acid change (threonine 311 retained).
Molecular consequence: synonymous variant.
Genome position (GRCh38, 1-based): chr22:18,921,420, G>A on the plus strand (C>T on the coding strand, the complement: PRODH is on the minus strand). VCF-style: chr22-18921420-G-A. GRCh37 (hg19) VCF-style: chr22-18908933-G-A.
Other names: c.609C>T, p.Thr203= (NM_001195226.2, NM_001368250.2).
Identifiers: ClinVar variation 2078808 (VCV002078808.7), dbSNP rs777436731, ClinGen allele CA10095171.

ClinVar aggregate classification (germline): Likely benign. Review status: criteria provided, multiple submitters, no conflicts (2 of 4 stars). 3 submissions from 3 submitters: Likely benign (3). Last evaluated 2026-04-01.

Conditions:
Proline dehydrogenase deficiency (HYRPRO1). Also called: Hyperprolinemia type 1; PROLINE OXIDASE DEFICIENCY. Identifiers: Orphanet 419, MedGen C0268529, MONDO:0009400, OMIM 239500.

Allele frequency attached by ClinVar (database versions not stated): ExAC 0.00019.

Submissions (3):

CeGaT Center for Human Genetics Tuebingen
Classification: Likely benign. Last evaluated: 2026-04-01. Review status: criteria provided, single submitter. Criteria: CeGaT Center For Human Genetics Tuebingen Variant Classification Criteria Version 2. Collection method: clinical testing. Allele origin: germline. Affected: yes. Observed: 1 variant allele.
Comment: PRODH: PM2:Supporting, BP4, BP7

Blueprint Genetics
Classification: Likely benign. Last evaluated: 2024-04-15. Review status: criteria provided, single submitter. Criteria: ACMG Guidelines, 2015. Collection method: clinical testing. Allele origin: germline.

Labcorp Genetics (formerly Invitae), Labcorp
Classification: Likely benign for Proline dehydrogenase deficiency. Last evaluated: 2024-01-22. Review status: criteria provided, single submitter. Criteria: Invitae Variant Classification Sherloc (09022015). Collection method: clinical testing. Allele origin: germline.